The following is an entry in ClinVar:

ClinVar aggregate classification (germline): Uncertain significance. Review status: criteria provided, multiple submitters, no conflicts (2 of 4 stars). 2 submissions from 2 submitters: Uncertain significance (2). Last evaluated 2025-11-13.

Conditions:
Early-infantile DEE. Also called: Ohtahara syndrome; Early infantile epileptic encephalopathy with suppression bursts; Early infantile epileptic encephalopathy. Identifiers: Orphanet 1934, MedGen C0393706, MONDO:0800491.

Allele frequency attached by ClinVar (database versions not stated): gnomAD exomes 0.00003; TOPMed 0.00004; ESP Exome Variant Server 0.00008; 1000 Genomes Project 30x 0.00016; 1000 Genomes Project 0.00020; ExAC 0.00002; gnomAD 0.00003.
gnomAD v4.1: 104 of 1,610,512 alleles (0.0065%); highest among the groups gnomAD compares: Middle Eastern, 0.017%; no homozygotes.

Submissions (2):

Labcorp Genetics (formerly Invitae), Labcorp
Classification: Uncertain significance for Early-infantile DEE. Last evaluated: 2025-11-13. Review status: criteria provided, single submitter. Criteria: Invitae Variant Classification Sherloc (09022015). Collection method: clinical testing. Allele origin: germline.
Comment: This sequence change replaces serine, which is neutral and polar, with leucine, which is neutral and non-polar, at codon 766 of the ARHGEF15 protein (p.Ser766Leu). This variant is present in population databases (rs200402507, gnomAD 0.005%). This variant has not been reported in the literature in individuals affected with ARHGEF15-related conditions. ClinVar contains an entry for this variant (Variation ID: 530479). An algorithm developed to predict the effect of missense changes on protein structure and function outputs the following: PolyPhen-2: "Benign". The leucine amino acid residue is found in multiple mammalian species, which suggests that this missense change does not adversely affect protein function. In summary, the available evidence is currently insufficient to determine the role of this variant in disease. Therefore, it has been classified as a Variant of Uncertain Significance.

Ambry Genetics
Classification: Uncertain significance. Last evaluated: 2024-08-19. Review status: criteria provided, single submitter. Criteria: Ambry Variant Classification Scheme 2023. Collection method: clinical testing. Allele origin: germline.

NM_173728.4(ARHGEF15):c.2297C>T (p.Ser766Leu)

Gene: ARHGEF15 (Rho guanine nucleotide exchange factor 15; plus strand). Cytogenetic location: 17p13.1.
Variant type: single nucleotide variant.
Coding change: c.2297C>T on transcript NM_173728.4 (MANE Select); coding-DNA position 2297, C replaced by T.
Protein change: p.Ser766Leu; replaces serine 766 with leucine.
Molecular consequence: missense variant.
Genome position (GRCh38, 1-based): chr17:8,319,526, C>T. VCF-style: chr17-8319526-C-T. GRCh37 (hg19) VCF-style: chr17-8222844-C-T.
Other names: c.2297C>T, p.Ser766Leu (NM_025014.2); short protein forms S766L.
Identifiers: ClinVar variation 530479 (VCV000530479.11), dbSNP rs200402507, ClinGen allele CA8375490.